The following is an entry in ClinVar:

ClinVar aggregate classification (germline): Uncertain significance (1 of 4 stars; one submission).

Conditions:
Familial sleep-related hypermotor epilepsy. Also called: Autosomal Dominant Sleep-Related Hypermotor (Hyperkinetic) Epilepsy. Identifiers: Orphanet 98784, MedGen C3696898, MONDO:0000030.

Submission:

Labcorp Genetics (formerly Invitae), Labcorp
Classification: Uncertain significance. Last evaluated: 2024-06-22. Review status: criteria provided, single submitter. Criteria: Invitae Variant Classification Sherloc (09022015). Collection method: clinical testing. Allele origin: germline.
Comment: This sequence change creates a premature translational stop signal (p.Glu57*) in the CHRNA2 gene. It is expected to result in an absent or disrupted protein product. However, the current clinical and genetic evidence is not sufficient to establish whether loss-of-function variants in CHRNA2 cause disease. This variant is not present in population databases (gnomAD no frequency). This variant has not been reported in the literature in individuals affected with CHRNA2-related conditions. Algorithms developed to predict the effect of sequence changes on RNA splicing suggest that this variant may disrupt the consensus splice site. In summary, the available evidence is currently insufficient to determine the role of this variant in disease. Therefore, it has been classified as a Variant of Uncertain Significance.

NM_000742.4(CHRNA2):c.169G>T (p.Glu57Ter)

Gene: CHRNA2 (cholinergic receptor nicotinic alpha 2 subunit; minus strand). Cytogenetic location: 8p21.2.
Variant type: single nucleotide variant.
Coding change: c.169G>T on transcript NM_000742.4 (MANE Select); coding-DNA position 169, G replaced by T.
Protein change: p.Glu57Ter; replaces glutamic acid 57 with a stop codon.
Molecular consequence: nonsense. On other transcripts: 5 prime UTR variant (4).
Genome position (GRCh38, 1-based): chr8:27,469,886, C>A on the plus strand (G>T on the coding strand, the complement: CHRNA2 is on the minus strand). VCF-style: chr8-27469886-C-A. GRCh37 (hg19) VCF-style: chr8-27327403-C-A.
Other names: c.169G>T, p.Glu57Ter (NM_001282455.2); c.-259G>T (NM_001347705.2); c.-304G>T (NM_001347706.2); c.-245G>T (NM_001347707.2); c.-293G>T (NM_001347708.2); short protein forms E57*.
Identifiers: ClinVar variation 3657380 (VCV003657380.2).